The following is an entry in ClinVar:

NM_024642.5(GALNT12):c.372-4G>T

Gene: GALNT12 (polypeptide N-acetylgalactosaminyltransferase 12; plus strand). Cytogenetic location: 9q22.33.
Variant type: single nucleotide variant.
Coding change: c.372-4G>T on transcript NM_024642.5 (MANE Select); 4 bases into the intron before coding-DNA position 372, G replaced by T.
Molecular consequence: intron variant.
Genome position (GRCh38, 1-based): chr9:98,823,252, G>T. VCF-style: chr9-98823252-G-T. GRCh37 (hg19) VCF-style: chr9-101585534-G-T.
Identifiers: ClinVar variation 1734324 (VCV001734324.4), dbSNP rs943412876, ClinGen allele CA196816442.

ClinVar aggregate classification (germline): Likely benign. Review status: criteria provided, multiple submitters, no conflicts (2 of 4 stars). 2 submissions from 2 submitters: Likely benign (2). Last evaluated 2026-04-21.

Conditions:
Colorectal cancer, susceptibility to, 1. Also called: COLORECTAL ADENOMA AND CANCER, SUSCEPTIBILITY TO; COLORECTAL CANCER, SUSCEPTIBILITY TO, ON CHROMOSOME 9. Identifiers: MedGen C1837315, MONDO:0012132, OMIM 608812.

Allele frequency attached by ClinVar (database versions not stated): TOPMed 0.00002; gnomAD 0.00001.
gnomAD v4.1: 5 of 1,613,936 alleles (0.00031%); highest among the groups gnomAD compares: Non-Finnish European, 0.00042%; no homozygotes.

Submissions (2):

Myriad Genetics, Inc.
Classification: Likely benign for Colorectal cancer, susceptibility to, 1. Last evaluated: 2026-04-21. Review status: criteria provided, single submitter. Criteria: Myriad Autosomal Dominant, Autosomal Recessive and X-Linked Classification Criteria (2023). Collection method: clinical testing. Allele origin: unknown.
Comment: This variant is considered likely benign. This variant is intronic and is not expected to impact mRNA splicing.

Ambry Genetics
Classification: Likely benign. Last evaluated: 2023-04-14. Review status: criteria provided, single submitter. Criteria: Ambry Variant Classification Scheme 2023. Collection method: clinical testing. Allele origin: germline.